The following is an entry in ClinVar:

NM_000278.5(PAX2):c.418C>T (p.Arg140Trp)

Gene: PAX2 (paired box 2; plus strand). Cytogenetic location: 10q24.31.
Variant type: single nucleotide variant.
Coding change: c.418C>T on transcript NM_000278.5 (MANE Select); coding-DNA position 418, C replaced by T.
Protein change: p.Arg140Trp; replaces arginine 140 with tryptophan.
Molecular consequence: missense variant.
Genome position (GRCh38, 1-based): chr10:100,779,505, C>T. VCF-style: chr10-100779505-C-T. GRCh37 (hg19) VCF-style: chr10-102539262-C-T.
Other names: c.511C>T, p.Arg171Trp (NM_001304569.2); c.418C>T, p.Arg140Trp (NM_003987.5, NM_003988.5, NM_003989.5 and 1 more transcripts); c.418C>T (NM_003990.4); short protein forms R140W, R171W.
Identifiers: ClinVar variation 1066591 (VCV001066591.14), dbSNP rs1217241110, ClinGen allele CA378258254.

ClinVar aggregate classification (germline): Pathogenic. Review status: criteria provided, multiple submitters, no conflicts (2 of 4 stars). 5 submissions from 5 submitters: Pathogenic (5). Last evaluated 2025-01-16.

Conditions:
Focal segmental glomerulosclerosis 7 (FSGS7). Identifiers: Orphanet 656, MedGen C4014925, MONDO:0014451, OMIM 616002.
Renal coloboma syndrome (PAPRS). Also called: PAPILLORENAL SYNDROME WITH MILD OCULAR ABNORMALITIES; PAPILLORENAL SYNDROME; COLOBOMA OF OPTIC NERVE WITH RENAL DISEASE; OPTIC COLOBOMA, VESICOURETERAL REFLUX, AND RENAL ANOMALIES; OPTIC NERVE COLOBOMA WITH RENAL DISEASE; RENAL-COLOBOMA SYNDROME WITH MACULAR ABNORMALITIES. Identifiers: Orphanet 1475, MedGen C1852759, MONDO:0007352, OMIM 120330.
PAX2-Related Disorder. Also called: PAX2-related disorders. Identifiers: MedGen CN381309.

Submissions (5):

PreventionGenetics, part of Exact Sciences
Classification: Pathogenic for PAX2-related condition. Last evaluated: 2025-01-16. Review status: criteria provided, single submitter. Criteria: ACMG Guidelines, 2015. Collection method: clinical testing. Allele origin: germline.
Comment: The PAX2 c.418C>T variant is predicted to result in the amino acid substitution p.Arg140Trp. This variant has not been reported in a large population database (gnomAD), indicating this variant is rare. The p.Arg140 residue is highly conserved during evolution. This variant has been repeatedly reported to be pathogenic for PAX2-related disorders (see for example, Supplementary Table 2, Chen et al. 2021. PubMed ID: 34031707; Rossanti et al. 2020. PubMed ID: 32203253; Supplementary Table 1, Sun et al. 2018. PubMed ID: 30076350). Of note, other substitutions at the same codon have also been reported to be pathogenic for PAX2-related disorders (p.Arg140Leu in Thomas et al. 2020. PubMed ID: 32203225; p.Arg140Gln in Bower et al. 2012. PubMed ID: 22213154 and Table S2 of Park et al. 2020. PubMed ID: 32604935; p.Arg140Gly in Zhang et al. 2018. PubMed ID: 30241513). In summary, the c.418C>T (p.Arg140Trp) variant is interpreted as pathogenic.

Fulgent Genetics
Classification: Pathogenic for Renal coloboma syndrome; Focal segmental glomerulosclerosis 7. Last evaluated: 2024-02-16. Review status: criteria provided, single submitter. Criteria: ACMG Guidelines, 2015. Collection method: clinical testing. Allele origin: germline.

Blueprint Genetics
Classification: Pathogenic for PAX2-related disorders. Last evaluated: 2023-04-05. Review status: criteria provided, single submitter. Criteria: ACMG Guidelines, 2015. Collection method: clinical testing. Allele origin: germline. Affected: yes. Observed: 1 variant allele.

Labcorp Genetics (formerly Invitae), Labcorp
Classification: Pathogenic for Renal coloboma syndrome; Focal segmental glomerulosclerosis 7. Last evaluated: 2022-02-08. Review status: criteria provided, single submitter. Criteria: Invitae Variant Classification Sherloc (09022015). Collection method: clinical testing. Allele origin: germline.
Comment: For these reasons, this variant has been classified as Pathogenic. This variant disrupts the p.Arg140 amino acid residue in PAX2. Other variant(s) that disrupt this residue have been observed in individuals with PAX2-related conditions (PMID: 30241513, 32203253), which suggests that this may be a clinically significant amino acid residue. Algorithms developed to predict the effect of missense changes on protein structure and function are either unavailable or do not agree on the potential impact of this missense change (SIFT: "Not Available"; PolyPhen-2: "Probably Damaging"; Align-GVGD: "Not Available"). ClinVar contains an entry for this variant (Variation ID: 1066591). This missense change has been observed in individual(s) with PAX2-related conditions (PMID: 29973660, 30076350, 31060108, 31576025, 31692565). In at least one individual the variant was observed to be de novo. The frequency data for this variant in the population databases is considered unreliable, as metrics indicate poor data quality at this position in the gnomAD database. This sequence change replaces arginine, which is basic and polar, with tryptophan, which is neutral and slightly polar, at codon 140 of the PAX2 protein (p.Arg140Trp).

Clinical Genetics Service, Universitary Hospital 12 de Octubre
Classification: Pathogenic for Focal segmental glomerulosclerosis 7. Review status: criteria provided, single submitter. Criteria: ACMG Guidelines, 2015. Collection method: clinical testing. Allele origin: germline. Affected: yes.

Literature cited by the submitters: PubMed 30241513 (cited by Labcorp Genetics (formerly Invitae), Labcorp); PubMed 32203253 (cited by Labcorp Genetics (formerly Invitae), Labcorp); PubMed 29973660 (cited by Labcorp Genetics (formerly Invitae), Labcorp); PubMed 30076350 (cited by Labcorp Genetics (formerly Invitae), Labcorp); PubMed 31060108 (cited by Labcorp Genetics (formerly Invitae), Labcorp); PubMed 31576025 (cited by Labcorp Genetics (formerly Invitae), Labcorp); PubMed 31692565 (cited by Labcorp Genetics (formerly Invitae), Labcorp).